The following is an entry in ClinVar:

ClinVar aggregate classification (germline): Uncertain significance (1 of 4 stars; one submission).

gnomAD v4.1: 8 of 1,185,962 alleles (0.00067%); highest among the groups gnomAD compares: Non-Finnish European, 0.00091%; no homozygotes.

Submission:

GeneDx
Classification: Uncertain significance. Last evaluated: 2022-12-02. Review status: criteria provided, single submitter. Criteria: GeneDx Variant Classification Process June 2021. Collection method: clinical testing. Allele origin: germline. Affected: yes.
Comment: Not observed at significant frequency in large population cohorts (gnomAD); In silico analysis supports that this missense variant has a deleterious effect on protein structure/function; Has not been previously published as pathogenic or benign to our knowledge

NM_007325.5(GRIA3):c.1760A>T (p.Asn587Ile)

Gene: GRIA3 (glutamate ionotropic receptor AMPA type subunit 3; plus strand). Cytogenetic location: Xq25.
Variant type: single nucleotide variant.
Coding change: c.1760A>T on transcript NM_007325.5 (MANE Select); coding-DNA position 1760, A replaced by T.
Protein change: p.Asn587Ile; replaces asparagine 587 with isoleucine.
Molecular consequence: missense variant.
Genome position (GRCh38, 1-based): chrX:123,417,661, A>T. VCF-style: chrX-123417661-A-T. GRCh37 (hg19) VCF-style: chrX-122551512-A-T.
Other names: c.1760A>T, p.Asn587Ile (NM_000828.5); short protein forms N587I.
Identifiers: ClinVar variation 2504437 (VCV002504437.1), dbSNP rs772140857, ClinGen allele CA414257657.